The following is an entry in ClinVar:

NM_000064.4(C3):c.4577A>G (p.Lys1526Arg)

Gene: C3 (complement C3; minus strand). Cytogenetic location: 19p13.3.
Variant type: single nucleotide variant.
Coding change: c.4577A>G on transcript NM_000064.4 (MANE Select); coding-DNA position 4577, A replaced by G.
Protein change: p.Lys1526Arg; replaces lysine 1526 with arginine.
Molecular consequence: missense variant.
Genome position (GRCh38, 1-based): chr19:6,679,178, T>C on the plus strand (A>G on the coding strand, the complement: C3 is on the minus strand). VCF-style: chr19-6679178-T-C. GRCh37 (hg19) VCF-style: chr19-6679189-T-C.
Other names: short protein forms K1526R.
Identifiers: ClinVar variation 1472642 (VCV001472642.6), dbSNP rs1362800698, ClinGen allele CA403612187.

ClinVar aggregate classification (germline): Uncertain significance (1 of 4 stars; one submission).

Allele frequency attached by ClinVar (database versions not stated): TOPMed below 0.00001.
gnomAD v4.1: 1 of 1,614,202 alleles (0.000062%); highest among the groups gnomAD compares: Non-Finnish European, 0.000085%; no homozygotes.

Submission:

Labcorp Genetics (formerly Invitae), Labcorp
Classification: Uncertain significance. Last evaluated: 2021-09-02. Review status: criteria provided, single submitter. Criteria: Invitae Variant Classification Sherloc (09022015). Collection method: clinical testing. Allele origin: germline.
Comment: This sequence change replaces lysine with arginine at codon 1526 of the C3 protein (p.Lys1526Arg). The lysine residue is moderately conserved and there is a small physicochemical difference between lysine and arginine. This variant is not present in population databases (ExAC no frequency). This variant has not been reported in the literature in individuals affected with C3-related conditions. Algorithms developed to predict the effect of missense changes on protein structure and function (SIFT, PolyPhen-2, Align-GVGD) all suggest that this variant is likely to be tolerated. In summary, the available evidence is currently insufficient to determine the role of this variant in disease. Therefore, it has been classified as a Variant of Uncertain Significance.